The following is an entry in ClinVar:

ClinVar aggregate classification (germline): Benign/Likely benign. Review status: criteria provided, multiple submitters, no conflicts (2 of 4 stars). 5 submissions from 5 submitters: Benign (1); Likely benign (4). Last evaluated 2026-01-05.

Conditions:
Fanconi anemia complementation group J. Also called: BRIP1-Related Fanconi Anemia. Identifiers: Orphanet 84, MedGen C1836860, MONDO:0012187, OMIM 609054.
Familial cancer of breast. Also called: BREAST CANCER, FAMILIAL; Hereditary breast cancer; hereditary breast carcinoma. Identifiers: Orphanet 227535, MedGen C0346153, MONDO:0016419, OMIM 114480. Disease mechanism: loss of function.
Hereditary cancer-predisposing syndrome. Also called: Tumor predisposition; Neoplastic Syndromes, Hereditary; Hereditary Cancer Syndrome; Hereditary neoplastic syndrome. Identifiers: Orphanet 140162, MedGen C0027672, MeSH D009386, MONDO:0015356.

Allele frequency attached by ClinVar (database versions not stated): gnomAD exomes below 0.00001; ExAC 0.00001.
gnomAD v4.1: 1 of 1,614,172 alleles (0.000062%); highest among the groups gnomAD compares: East Asian, 0.0022%; no homozygotes.

Submissions (5):

Labcorp Genetics (formerly Invitae), Labcorp
Classification: Likely benign for Familial cancer of breast; Fanconi anemia complementation group J. Last evaluated: 2026-01-05. Review status: criteria provided, single submitter. Criteria: Invitae Variant Classification Sherloc (09022015). Collection method: clinical testing. Allele origin: germline.

Center for Genomic Medicine, Rigshospitalet, Copenhagen University Hospital
Classification: Likely benign. Last evaluated: 2025-12-29. Review status: criteria provided, single submitter. Criteria: ACMG Guidelines, 2015. Collection method: clinical testing. Allele origin: germline.

Myriad Genetics, Inc.
Classification: Benign for Familial cancer of breast. Last evaluated: 2024-08-21. Review status: criteria provided, single submitter. Criteria: Myriad Autosomal Dominant, Autosomal Recessive and X-Linked Classification Criteria (2023). Collection method: clinical testing. Allele origin: unknown.
Comment: This variant is considered benign. This variant is a silent/synonymous amino acid change and it is not expected to impact splicing.

Color Diagnostics, LLC DBA Color Health
Classification: Likely benign for Hereditary cancer-predisposing syndrome. Last evaluated: 2022-10-06. Review status: criteria provided, single submitter. Criteria: ACMG Guidelines, 2015. Collection method: clinical testing. Allele origin: germline.

Ambry Genetics
Classification: Likely benign for Hereditary cancer-predisposing syndrome. Last evaluated: 2017-03-21. Review status: criteria provided, single submitter. Criteria: Ambry Variant Classification Scheme 2023. Collection method: clinical testing. Allele origin: germline.

NM_032043.3(BRIP1):c.318T>A (p.Arg106=)

Gene: BRIP1 (BRCA1 interacting DNA helicase 1; minus strand). Cytogenetic location: 17q23.2.
Variant type: single nucleotide variant.
Coding change: c.318T>A on transcript NM_032043.3 (MANE Select); coding-DNA position 318, T replaced by A.
Protein change: p.Arg106=; no amino-acid change (arginine 106 retained).
Molecular consequence: synonymous variant.
Genome position (GRCh38, 1-based): chr17:61,857,119, A>T on the plus strand (T>A on the coding strand, the complement: BRIP1 is on the minus strand). VCF-style: chr17-61857119-A-T. GRCh37 (hg19) VCF-style: chr17-59934480-A-T.
Identifiers: ClinVar variation 479469 (VCV000479469.19), dbSNP rs772283705, ClinGen allele CA8690961.
Genomic context (GRCh38, chr17:61,857,119, plus strand): 5'-TTGACAAGTTGATGAAGTGCCATTTCTTTCAGAAGGTGGTGTGCTTGGATAGTTGAAATG[A>T]CGTGAAGTTCCTTGGTTCATGTCATTGTTTGTAAAATCCTTTGAATGGCATGCACAACAA-3'
Protein context (NP_114432.2, residues 96-116): TNNDMNQGTS[Arg106=]HFNYPSTPPS